The following is an entry in ClinVar:

NM_001127.4(AP1B1):c.2259C>A (p.Asn753Lys)

Gene: AP1B1 (adaptor related protein complex 1 subunit beta 1; minus strand). Cytogenetic location: 22q12.2.
Variant type: single nucleotide variant.
Coding change: c.2259C>A on transcript NM_001127.4 (MANE Select); coding-DNA position 2259, C replaced by A.
Protein change: p.Asn753Lys; replaces asparagine 753 with lysine.
Molecular consequence: missense variant.
Genome position (GRCh38, 1-based): chr22:29,334,315, G>T on the plus strand (C>A on the coding strand, the complement: AP1B1 is on the minus strand). VCF-style: chr22-29334315-G-T. GRCh37 (hg19) VCF-style: chr22-29730304-G-T.
Other names: c.2238C>A, p.Asn746Lys (NM_001378563.1, NM_145730.3); c.2088C>A, p.Asn696Lys (NM_001378564.1); c.2067C>A, p.Asn689Lys (NM_001378565.1); c.2052C>A, p.Asn684Lys (NM_001378566.1); c.2178C>A, p.Asn726Lys (NM_001166019.2); c.2259C>A, p.Asn753Lys (NM_001378562.1); short protein forms N684K, N689K, N696K, N726K, N746K, N753K.
Identifiers: ClinVar variation 1675881 (VCV001675881.33), dbSNP rs2147939173, ClinGen allele CA411118627.
Genomic context (GRCh38, chr22:29,334,315, plus strand): 5'-GAGCTCTCACCTGTTGCGGTTGAACTGGATGGCAAAGTCGGTCATGACCTGCAAGGCCTT[G>T]TTGGTCAGCTGCAGGTCCATGGAGATGGAGCCCACCTGGCGGGTGAAGGTGCCTGAGATC-3'
Protein context (NP_001118.3, residues 743-763): GSISMDLQLT[Asn753Lys]KALQVMTDFA

ClinVar aggregate classification (germline): Uncertain significance (1 of 4 stars; one submission).

Submission:

CeGaT Center for Human Genetics Tuebingen
Classification: Uncertain significance. Last evaluated: 2022-03-01. Review status: criteria provided, single submitter. Criteria: CeGaT Center For Human Genetics Tuebingen Variant Classification Criteria Version 2. Collection method: clinical testing. Allele origin: germline. Affected: yes. Observed: 1 variant allele.
Comment: AP1B1: PM2, PP2